The following is an entry in ClinVar:

NM_000169.3(GLA):c.643A>C (p.Asn215His)

Genes: RPL36A-HNRNPH2 (RPL36A-HNRNPH2 readthrough; plus strand), GLA (galactosidase alpha; minus strand). Cytogenetic location: Xq22.1.
Variant type: single nucleotide variant.
Coding change: c.643A>C on transcript NM_000169.3 (MANE Select); coding-DNA position 643, A replaced by C.
Protein change: p.Asn215His; replaces asparagine 215 with histidine.
Molecular consequence: missense variant. On other transcripts: non-coding transcript variant (3), intron variant (2).
Genome position (GRCh38, 1-based): chrX:101,398,943, T>G on the plus strand (A>C on the coding strand, the complement: GLA is on the minus strand). VCF-style: chrX-101398943-T-G. GRCh37 (hg19) VCF-style: chrX-100653931-T-G.
Other names: c.766A>C, p.Asn256His (NM_001406747.1); c.643A>C, p.Asn215His (NM_001406748.1); c.300+3486T>G (NM_001199973.2); c.177+7121T>G (NM_001199974.2); short protein forms N215H, N256H.
Identifiers: ClinVar variation 179331 (VCV000179331.6), dbSNP rs727504794, ClinGen allele CA021919.
Genomic context (GRCh38, chrX:101,398,943, plus strand): 5'-AATCATCAATGTCAGCAAAATTTCGCCAGTGATTGCAGTACTGTCGGATTTCTGTATAAT[T>G]GGGCTGTGAAAACAGATATGACTCTTCTGTTTACTTTCTACTAACATCCTTGTGAGATGA-3'
Protein context (NP_000160.1, residues 205-225): PLYMWPFQKP[Asn215His]YTEIRQYCNH

ClinVar aggregate classification (germline): Uncertain significance. Review status: criteria provided, multiple submitters, no conflicts (2 of 4 stars). 2 submissions from 2 submitters: Uncertain significance (2). Last evaluated 2026-09-08.

Conditions:
Fabry disease. Also called: ALPHA-GALACTOSIDASE A DEFICIENCY; ANDERSON-FABRY DISEASE; CERAMIDE TRIHEXOSIDASE DEFICIENCY; GLA DEFICIENCY; HEREDITARY DYSTOPIC LIPIDOSIS; Ceramide trihexosidosis. Identifiers: Orphanet 324, MedGen C0002986, MONDO:0010526, OMIM 301500, HP:0001071. Disease mechanism: Fabry disease is due to inactivating mutations in the X-linked GLA gene resulting in deficiency of the enzyme Alpha Galactosidase-A., loss of function.

Submissions (2):

Genomenon, Inc
Classification: Uncertain significance for Fabry disease. Last evaluated: 2026-09-08. Review status: criteria provided, single submitter. Criteria: Genomenon Sequence Variant Interpretation Standards - Updated. Collection method: curation. Allele origin: germline. Affected: yes.
Comment: GLA p.Asn215His (c.643A>C) is a missense variant that changes the amino acid at codon 215 from Asparagine to Histidine. This variant has been observed in at least one proband with clinical features consistent with Fabry disease (PMID:39737415). The presence of pathogenic/likely pathogenic missense variant(s) at the same amino acid position indicates that this residue is likely important for protein function. It is absent or not present at a significant frequency in gnomAD. In conclusion, we classify GLA p.Asn215His (c.643A>C) as a variant of uncertain significance.

Laboratory for Molecular Medicine, Mass General Brigham Personalized Medicine
Classification: Uncertain significance. Last evaluated: 2013-10-05. Review status: criteria provided, single submitter. Criteria: LMM Criteria. Collection method: clinical testing. Allele origin: germline. Observed: 1 variant allele.
Comment: The Asn215His variant in GLA has not been previously reported in individuals wit h cardiomyopathy or in large population studies. Another variant at this positi on (Asn215Ser) has been reported in individuals with Fabry disease (Davies 1993, Eng 1994, Mills 2005). However, asparagine (Asn) at position 215 is not complet ely conserved in evolution with one mammal (opossum) carrying the variant amino acid (His), raising the possibility that the Asn215His change is tolerated. In summary, additional studies are needed to fully assess its clinical significance .

Literature cited by the submitters: PubMed 39737415 (cited by Genomenon, Inc); PubMed 15886492 (cited by Laboratory for Molecular Medicine, Mass General Brigham Personalized Medicine); PubMed 17555407 (cited by Laboratory for Molecular Medicine, Mass General Brigham Personalized Medicine); PubMed 21598360 (cited by Laboratory for Molecular Medicine, Mass General Brigham Personalized Medicine); PubMed 8395937 (cited by Laboratory for Molecular Medicine, Mass General Brigham Personalized Medicine); PubMed 7531540 (cited by Laboratory for Molecular Medicine, Mass General Brigham Personalized Medicine); PubMed 15702404 (cited by Laboratory for Molecular Medicine, Mass General Brigham Personalized Medicine); PubMed 23568732 (cited by Laboratory for Molecular Medicine, Mass General Brigham Personalized Medicine).